The following is an entry in ClinVar:

ClinVar aggregate classification (germline): Pathogenic (1 of 4 stars; one submission).

Submission:

Labcorp Genetics (formerly Invitae), Labcorp
Classification: Pathogenic. Last evaluated: 2018-10-31. Review status: criteria provided, single submitter. Criteria: Invitae Variant Classification Sherloc (09022015). Collection method: clinical testing. Allele origin: germline.
Comment: For these reasons, this variant has been classified as Pathogenic. Loss-of-function variants in LOXHD1 are known to be pathogenic (PMID: 19732867, 21465660, 25792669). This variant has not been reported in the literature in individuals with LOXHD1-related disease. This variant is not present in population databases (ExAC no frequency). This sequence change creates a premature translational stop signal (p.Ala1641Argfs*54) in the LOXHD1 gene. It is expected to result in an absent or disrupted protein product.

Literature cited by the submitters: PubMed 19732867; PubMed 21465660; PubMed 25792669.

NM_001384474.1(LOXHD1):c.4921del (p.Ala1641fs)

Gene: LOXHD1 (lipoxygenase homology PLAT domains 1; minus strand). Cytogenetic location: 18q21.1.
Variant type: Deletion.
Coding change: c.4921del on transcript NM_001384474.1 (MANE Select); coding-DNA position 4921, one base deleted (G; older notation c.4921delG).
Protein change: p.Ala1641fs; shifts the reading frame from alanine 1641.
Molecular consequence: frameshift variant.
Genome position (GRCh38, 1-based): chr18:46,522,265, C deleted on the plus strand (G on the coding strand, the reverse complement: LOXHD1 is on the minus strand). VCF-style (leftmost placement, unchanged base first): chr18-46522264-GC-G. GRCh37 (hg19) VCF-style: chr18-44102227-GC-G.
Other names: c.1588del, p.Ala530fs (NM_001145472.3); c.1300del, p.Ala434fs (NM_001308013.2); c.4921del, p.Ala1641fs (NM_144612.7); c.4921delG (NM_144612.6); short protein forms A1641fs, A530fs, A434fs.
Identifiers: ClinVar variation 639704 (VCV000639704.6), dbSNP rs1598909510, ClinGen allele CA915951551.